The following is an entry in ClinVar:

NM_024675.4(PALB2):c.2514+3dup

Gene: PALB2 (partner and localizer of BRCA2; minus strand). Cytogenetic location: 16p12.2.
Variant type: Duplication.
Coding change: c.2514+3dup on transcript NM_024675.4 (MANE Select); 3 bases into the intron after coding-DNA position 2514, one base duplicated (A; older notation c.2514+3dupA).
Molecular consequence: intron variant.
Genome position (GRCh38, 1-based): chr16:23,629,637, T duplicated on the plus strand (A on the coding strand, the reverse complement: PALB2 is on the minus strand). VCF-style (leftmost placement, unchanged base first): chr16-23629636-G-GT. GRCh37 (hg19) VCF-style: chr16-23640957-G-GT.
Other names: c.2514+3dupA (NM_024675.3, NM_024675.4).
Identifiers: ClinVar variation 141248 (VCV000141248.32), dbSNP rs587781602, ClinGen allele CA164911.

ClinVar aggregate classification (germline): Conflicting classifications of pathogenicity. Review status: criteria provided, conflicting classifications (1 of 4 stars). 11 submissions from 11 submitters: Uncertain significance (6); Likely benign (5). Last evaluated 2026-07-01.

Conditions:
PALB2-related disorder. Also called: PALB2-related condition; PALB2-related disorders.
Hereditary cancer-predisposing syndrome. Also called: Tumor predisposition; Neoplastic Syndromes, Hereditary; Hereditary neoplastic syndrome; Hereditary Cancer Syndrome. Identifiers: Orphanet 140162, MedGen C0027672, MeSH D009386, MONDO:0015356.
Familial cancer of breast. Also called: BREAST CANCER, FAMILIAL; Hereditary breast cancer; hereditary breast carcinoma. Identifiers: Orphanet 227535, MedGen C0346153, MONDO:0016419, OMIM 114480. Disease mechanism: loss of function.

Allele frequency attached by ClinVar (database versions not stated): gnomAD exomes below 0.00001 and 0.00001; TOPMed below 0.00001; ExAC 0.00001; gnomAD 0.00001.

Submissions (11):

PreventionGenetics, part of Exact Sciences
Classification: Likely benign for PALB2-related condition. Last evaluated: 2026-07-01. Review status: criteria provided, single submitter. Criteria: ACMG Guidelines, 2015. Collection method: clinical testing. Allele origin: germline.
Comment: This variant is classified as likely benign based on ACMG/AMP sequence variant interpretation guidelines (Richards et al. 2015 PMID: 25741868, with internal and published modifications).

Labcorp Genetics (formerly Invitae), Labcorp
Classification: Likely benign for Familial cancer of breast. Last evaluated: 2026-01-05. Review status: criteria provided, single submitter. Criteria: Invitae Variant Classification Sherloc (09022015). Collection method: clinical testing. Allele origin: germline.

Myriad Genetics, Inc.
Classification: Likely benign for Familial cancer of breast. Last evaluated: 2025-01-16. Review status: criteria provided, single submitter. Criteria: Myriad Autosomal Dominant, Autosomal Recessive and X-Linked Classification Criteria (2023). Collection method: clinical testing. Allele origin: unknown.
Comment: This variant is considered likely benign. This variant is intronic and is not expected to impact mRNA splicing. This variant has been observed in trans with a known pathogenic variant in one or more individuals lacking clinical features consistent with gene-specific recessive disease.

Color Diagnostics, LLC DBA Color Health
Classification: Uncertain significance for Hereditary cancer-predisposing syndrome. Last evaluated: 2024-11-26. Review status: criteria provided, single submitter. Criteria: ACMG Guidelines, 2015. Collection method: clinical testing. Allele origin: germline.
Comment: This variant inserts 1 nucleotide at +3 position in intron 5 of the PALB2 gene. Splice site prediction tools suggest that this variant may not impact RNA splicing. However, this prediction has not been confirmed in published RNA studies. To our knowledge, this variant has not been reported in individuals affected with hereditary cancer in the literature. This variant has been identified in 3/249934 chromosomes in the general population by the Genome Aggregation Database (gnomAD). The available evidence is insufficient to determine the role of this variant in disease conclusively. Therefore, this variant is classified as a Variant of Uncertain Significance.

Quest Diagnostics Nichols Institute San Juan Capistrano
Classification: Uncertain significance. Last evaluated: 2024-08-25. Review status: criteria provided, single submitter. Criteria: Quest Diagnostics criteria. Collection method: clinical testing. Allele origin: unknown.
Comment: The PALB2 c.2514+3dup variant has not been reported in individuals with PALB2-related conditions in the published literature. The frequency of this variant in the general population, 0.000012 (3/249934 chromosomes (Genome Aggregation Database)), is uninformative in the assessment of its pathogenicity. Analysis of this variant using software algorithms for the prediction of the effect of nucleotide changes on splicing yielded predictions that this variant does not affect PALB2 mRNA splicing. Based on the available information, we are unable to determine the clinical significance of this variant.

St. Jude Molecular Pathology, St. Jude Children's Research Hospital
Classification: Uncertain significance for Familial cancer of breast. Last evaluated: 2024-07-09. Review status: criteria provided, single submitter. Criteria: St. Jude Assertion Criteria 2020. Collection method: clinical testing. Allele origin: germline.
Comment: The PALB2 c.2514+3dup intronic change results in a duplication at the +3 position of intron 5 of the PALB2 gene. Algorithms that predict the impact of sequence changes on splicing indicate that this variant likely does not affect splicing, but to our knowledge these predictions have not been confirmed by RNA studies. To our knowledge, this variant has not been reported as pathogenic in individuals with PALB2-associated conditions. In summary, the evidence currently available is insufficient to determine the clinical significance of this variant. It has therefore been classified as of uncertain significance.

Blueprint Genetics
Classification: Likely benign. Last evaluated: 2024-05-07. Review status: criteria provided, single submitter. Criteria: ACMG Guidelines, 2015. Collection method: clinical testing. Allele origin: germline.

Women's Health and Genetics/Laboratory Corporation of America, LabCorp
Classification: Uncertain significance. Last evaluated: 2023-09-28. Review status: criteria provided, single submitter. Criteria: LabCorp Variant Classification Summary - May 2015. Collection method: clinical testing. Allele origin: germline.

GeneDx
Classification: Uncertain significance. Last evaluated: 2023-07-18. Review status: criteria provided, single submitter. Criteria: GeneDx Variant Classification Process June 2021. Collection method: clinical testing. Allele origin: germline. Affected: yes.
Comment: Not observed at significant frequency in large population cohorts (gnomAD); In silico analysis supports that this variant does not alter splicing; Has not been previously published as pathogenic or benign to our knowledge

Ambry Genetics
Classification: Likely benign for Hereditary cancer-predisposing syndrome. Last evaluated: 2020-06-16. Review status: criteria provided, single submitter. Criteria: Ambry Variant Classification Scheme 2023. Collection method: clinical testing. Allele origin: germline.

Genetic Services Laboratory, University of Chicago
Classification: Uncertain significance. Last evaluated: 2019-09-30. Review status: criteria provided, single submitter. Criteria: ACMG Guidelines, 2015. Collection method: clinical testing. Allele origin: germline. Affected: no.